The following is an entry in ClinVar:

ClinVar aggregate classification (germline): Benign/Likely benign. Review status: criteria provided, multiple submitters, no conflicts (2 of 4 stars). 2 submissions from 2 submitters: Benign (1); Likely benign (1). Last evaluated 2020-10-22.

Allele frequency attached by ClinVar (database versions not stated): gnomAD 0.00001 and 0.00003; ExAC 0.00004; TOPMed 0.00006; gnomAD exomes 0.00009; 1000 Genomes Project 30x 0.00016; 1000 Genomes Project 0.00020.
gnomAD v4.1: 49 of 1,614,034 alleles (0.003%); highest among the groups gnomAD compares: Admixed American, 0.053%; no homozygotes.

Submissions (2):

Blueprint Genetics
Classification: Likely benign. Last evaluated: 2020-10-22. Review status: criteria provided, single submitter. Criteria: ACMG Guidelines, 2015. Collection method: clinical testing. Allele origin: germline.

Women's Health and Genetics/Laboratory Corporation of America, LabCorp
Classification: Benign. Last evaluated: 2018-12-17. Review status: criteria provided, single submitter. Criteria: LabCorp Variant Classification Summary - May 2015. Collection method: clinical testing. Allele origin: germline.
Comment: Variant summary: NOS1AP c.300G>A alters a non-conserved nucleotide resulting in a synonymous change. 5/5 computational tools predict no significant impact on normal splicing. However, these predictions have yet to be confirmed by functional studies. The variant allele was found at a frequency of 7.6e-05 in 277154 control chromosomes, predominantly at a frequency of 0.00058 within the Latino subpopulation in the gnomAD database. The observed variant frequency within Latino control individuals in the gnomAD database is approximately 58-fold of the estimated maximal expected allele frequency for a pathogenic variant in NOS1AP causing Arrhythmia phenotype (1e-05), strongly suggesting that the variant is a benign polymorphism found primarily in populations of Latino origin. To our knowledge, no occurrence of c.300G>A in individuals affected with Arrhythmia and no experimental evidence demonstrating its impact on protein function have been reported. No clinical diagnostic laboratories have submitted clinical-significance assessments for this variant to ClinVar after 2014. Based on the evidence outlined above, the variant was classified as benign.

NM_014697.3(NOS1AP):c.300G>A (p.Thr100=)

Gene: NOS1AP (nitric oxide synthase 1 adaptor protein; plus strand). Cytogenetic location: 1q23.3.
Variant type: single nucleotide variant.
Coding change: c.300G>A on transcript NM_014697.3 (MANE Select); coding-DNA position 300, G replaced by A.
Protein change: p.Thr100=; no amino-acid change (threonine 100 retained).
Molecular consequence: synonymous variant.
Genome position (GRCh38, 1-based): chr1:162,300,662, G>A. VCF-style: chr1-162300662-G-A. GRCh37 (hg19) VCF-style: chr1-162270452-G-A.
Other names: c.285G>A, p.Thr95= (NM_001164757.2).
Identifiers: ClinVar variation 632926 (VCV000632926.2), dbSNP rs578153577, ClinGen allele CA1215427.